The following is an entry in ClinVar:

NM_001378778.1(MPDZ):c.2564C>T (p.Thr855Ile)

Gene: MPDZ (multiple PDZ domain crumbs cell polarity complex component; minus strand). Cytogenetic location: 9p23.
Variant type: single nucleotide variant.
Coding change: c.2564C>T on transcript NM_001378778.1 (MANE Select); coding-DNA position 2564, C replaced by T.
Protein change: p.Thr855Ile; replaces threonine 855 with isoleucine.
Molecular consequence: missense variant.
Genome position (GRCh38, 1-based): chr9:13,183,503, G>A on the plus strand (C>T on the coding strand, the complement: MPDZ is on the minus strand). VCF-style: chr9-13183503-G-A. GRCh37 (hg19) VCF-style: chr9-13183502-G-A.
Other names: c.2564C>T, p.Thr855Ile (NM_001375416.1, NM_001375417.1, NM_001375418.1 and 14 more transcripts); short protein forms T855I.
Identifiers: ClinVar variation 1401813 (VCV001401813.8), dbSNP rs1953663641, ClinGen allele CA372935729.

ClinVar aggregate classification (germline): Uncertain significance (1 of 4 stars; one submission).

Allele frequency attached by ClinVar (database versions not stated): gnomAD exomes below 0.00001; TOPMed below 0.00001.
gnomAD v4.1: 2 of 1,612,456 alleles (0.00012%); highest among the groups gnomAD compares: Non-Finnish European, 0.00017%; no homozygotes.

Submission:

Labcorp Genetics (formerly Invitae), Labcorp
Classification: Uncertain significance. Last evaluated: 2022-08-23. Review status: criteria provided, single submitter. Criteria: Invitae Variant Classification Sherloc (09022015). Collection method: clinical testing. Allele origin: germline.
Comment: In summary, the available evidence is currently insufficient to determine the role of this variant in disease. Therefore, it has been classified as a Variant of Uncertain Significance. Algorithms developed to predict the effect of missense changes on protein structure and function are either unavailable or do not agree on the potential impact of this missense change (SIFT: "Deleterious"; PolyPhen-2: "Benign"; Align-GVGD: "Class C0"). ClinVar contains an entry for this variant (Variation ID: 1401813). This variant has not been reported in the literature in individuals affected with MPDZ-related conditions. This variant is not present in population databases (gnomAD no frequency). This sequence change replaces threonine, which is neutral and polar, with isoleucine, which is neutral and non-polar, at codon 855 of the MPDZ protein (p.Thr855Ile).